The following is an entry in ClinVar:

ClinVar aggregate classification (germline): Uncertain significance. Review status: criteria provided, multiple submitters, no conflicts (2 of 4 stars). 2 submissions from 2 submitters: Uncertain significance (2). Last evaluated 2024-10-09.

Conditions:
Inborn genetic diseases. Identifiers: MedGen C0950123, MeSH D030342.
Polyglandular autoimmune syndrome, type 1 (APS1). Also called: PGA I; Autoimmune polyendocrine syndrome type 1; HYPOADRENOCORTICISM WITH HYPOPARATHYROIDISM AND SUPERFICIAL MONILIASIS; Autoimmune polyendocrinopathy syndrome , type I, with or without reversible metaphyseal dysplasia; AUTOIMMUNE POLYENDOCRINE SYNDROME, TYPE I, WITH OR WITHOUT REVERSIBLE METAPHYSEAL DYSPLASIA; APS I. Identifiers: Orphanet 3453, MedGen C0085859, MONDO:0009411, OMIM 240300.

Allele frequency attached by ClinVar (database versions not stated): gnomAD 0.00001.
gnomAD v4.1: 4 of 1,612,920 alleles (0.00025%); highest among the groups gnomAD compares: East Asian, 0.0067%; no homozygotes.

Submissions (2):

Labcorp Genetics (formerly Invitae), Labcorp
Classification: Uncertain significance for Polyglandular autoimmune syndrome, type 1. Last evaluated: 2024-10-09. Review status: criteria provided, single submitter. Criteria: Invitae Variant Classification Sherloc (09022015). Collection method: clinical testing. Allele origin: germline.
Comment: This sequence change replaces arginine, which is basic and polar, with leucine, which is neutral and non-polar, at codon 89 of the AIRE protein (p.Arg89Leu). This variant is present in population databases (no rsID available, gnomAD 0.01%). This variant has not been reported in the literature in individuals affected with AIRE-related conditions. Invitae Evidence Modeling of protein sequence and biophysical properties (such as structural, functional, and spatial information, amino acid conservation, physicochemical variation, residue mobility, and thermodynamic stability) has been performed for this missense variant. However, the output from this modeling did not meet the statistical confidence thresholds required to predict the impact of this variant on AIRE protein function. In summary, the available evidence is currently insufficient to determine the role of this variant in disease. Therefore, it has been classified as a Variant of Uncertain Significance.

Ambry Genetics
Classification: Uncertain significance for Inborn genetic diseases. Last evaluated: 2023-12-13. Review status: criteria provided, single submitter. Criteria: Ambry Variant Classification Scheme 2023. Collection method: clinical testing. Allele origin: germline.

NM_000383.4(AIRE):c.266G>T (p.Arg89Leu)

Gene: AIRE (autoimmune regulator; plus strand). Cytogenetic location: 21q22.3.
Variant type: single nucleotide variant.
Coding change: c.266G>T on transcript NM_000383.4 (MANE Select); coding-DNA position 266, G replaced by T.
Protein change: p.Arg89Leu; replaces arginine 89 with leucine.
Molecular consequence: missense variant.
Genome position (GRCh38, 1-based): chr21:44,286,690, G>T. VCF-style: chr21-44286690-G-T. GRCh37 (hg19) VCF-style: chr21-45706573-G-T.
Other names: short protein forms R89L.
Identifiers: ClinVar variation 2902911 (VCV002902911.4), dbSNP rs762267080, ClinGen allele CA410423478.